The following is an entry in ClinVar:

NM_001458.5(FLNC):c.4161C>T (p.Ile1387=)

Gene: FLNC (filamin C; plus strand). Cytogenetic location: 7q32.1.
Variant type: single nucleotide variant.
Coding change: c.4161C>T on transcript NM_001458.5 (MANE Select); coding-DNA position 4161, C replaced by T.
Protein change: p.Ile1387=; no amino-acid change (isoleucine 1387 retained).
Molecular consequence: synonymous variant.
Genome position (GRCh38, 1-based): chr7:128,846,778, C>T. VCF-style: chr7-128846778-C-T. GRCh37 (hg19) VCF-style: chr7-128486832-C-T.
Other names: p.Ile1387=; c.4161C>T, p.Ile1387= (NM_001127487.2).
Identifiers: ClinVar variation 258143 (VCV000258143.21), dbSNP rs200288149, ClinGen allele CA4475265.
Genomic context (GRCh38, chr7:128,846,778, plus strand): 5'-AGCTGATGGGGGGATGTTATCTCTCAGGGGAGCGGGCACCGGGGGCCTTGGCCTAGCCAT[C>T]GAGGGTCCCTCGGAAGCCAAGATGTCCTGCAAGGACAACAAGGATGGTAGCTGCACCGTG-3'
Protein context (NP_001449.3, residues 1377-1397): GAGTGGLGLA[Ile1387=]EGPSEAKMSC

ClinVar aggregate classification (germline): Benign/Likely benign. Review status: criteria provided, multiple submitters, no conflicts (2 of 4 stars). 8 submissions from 8 submitters: Benign (6); Likely benign (2). Last evaluated 2026-02-01.

Conditions:
Cardiovascular phenotype. Identifiers: MedGen CN230736.
Hypertrophic cardiomyopathy 26. Also called: Cardiomyopathy, familial hypertrophic, 26. Identifiers: Orphanet 75249, MedGen C4310749, MONDO:0014883, OMIM 617047.
Distal myopathy with posterior leg and anterior hand involvement. Also called: WILLIAMS DISTAL MYOPATHY. Identifiers: Orphanet 63273, MedGen C3279722, MONDO:0013550, OMIM 614065.
Myofibrillar myopathy 5. Also called: FILAMINOPATHY, AUTOSOMAL DOMINANT; Filaminopathy (type). Identifiers: Orphanet 171445, MedGen C1836050, MONDO:0012289, OMIM 609524.

Allele frequency attached by ClinVar (database versions not stated): gnomAD exomes 0.00381 and 0.00193; gnomAD 0.00009 and 0.00117; 1000 Genomes Project 30x 0.00843; TOPMed 0.00034; ExAC 0.00436; 1000 Genomes Project 0.00978.
gnomAD v4.1: 3,010 of 1,614,134 alleles (0.19%); highest among the groups gnomAD compares: South Asian, 3%; 70 homozygotes.

Submissions (8):

Labcorp Genetics (formerly Invitae), Labcorp
Classification: Benign for Distal myopathy with posterior leg and anterior hand involvement; Myofibrillar myopathy 5; Hypertrophic cardiomyopathy 26. Last evaluated: 2026-02-01. Review status: criteria provided, single submitter. Criteria: Invitae Variant Classification Sherloc (09022015). Collection method: clinical testing. Allele origin: germline.

Mayo Clinic Laboratories, Mayo Clinic
Classification: Benign. Last evaluated: 2025-04-09. Review status: criteria provided, single submitter. Criteria: ACMG Guidelines, 2015. Collection method: clinical testing. Allele origin: germline. Observed: 2 variant alleles.
Comment: BS1, BS2, BP4, BP7

Molecular Diagnostic Laboratory for Inherited Cardiovascular Disease, Montreal Heart Institute
Classification: Benign. Last evaluated: 2025-04-09. Review status: criteria provided, single submitter. Criteria: ACMG Guidelines, 2015. Collection method: clinical testing. Allele origin: germline. Affected: no.

Women's Health and Genetics/Laboratory Corporation of America, LabCorp
Classification: Benign. Last evaluated: 2024-12-13. Review status: criteria provided, single submitter. Criteria: LabCorp Variant Classification Summary - May 2015. Collection method: clinical testing. Allele origin: germline.

Ambry Genetics
Classification: Benign for Cardiovascular phenotype. Last evaluated: 2019-01-25. Review status: criteria provided, single submitter. Criteria: Ambry Variant Classification Scheme 2023. Collection method: clinical testing. Allele origin: germline.

GeneDx
Classification: Benign. Last evaluated: 2016-10-07. Review status: criteria provided, single submitter. Criteria: GeneDx Variant Classification (06012015). Collection method: clinical testing. Allele origin: germline. Affected: yes.
Comment: This variant is considered likely benign or benign based on one or more of the following criteria: it is a conservative change, it occurs at a poorly conserved position in the protein, it is predicted to be benign by multiple in silico algorithms, and/or has population frequency not consistent with disease.

Breakthrough Genomics
Classification: Likely benign. Review status: criteria provided, single submitter. Criteria: ACMG Guidelines, 2015. Collection method: not provided. Allele origin: germline. Inheritance: Autosomal dominant inheritance. Affected: yes.

PreventionGenetics, part of Exact Sciences
Classification: Likely benign. Review status: criteria provided, single submitter. Criteria: ACMG Guidelines, 2015. Collection method: clinical testing. Allele origin: germline.